The following is an entry in ClinVar:

NM_015978.3(TNNI3K):c.689C>T (p.Ala230Val)

Genes: FPGT-TNNI3K (FPGT-TNNI3K readthrough; plus strand), TNNI3K (TNNI3 interacting kinase; plus strand). Cytogenetic location: 1p31.1.
Variant type: single nucleotide variant.
Coding change: c.689C>T on transcript NM_015978.3 (MANE Select); coding-DNA position 689, C replaced by T.
Protein change: p.Ala230Val; replaces alanine 230 with valine.
Molecular consequence: missense variant.
Genome position (GRCh38, 1-based): chr1:74,342,848, C>T. VCF-style: chr1-74342848-C-T. GRCh37 (hg19) VCF-style: chr1-74808532-C-T.
Other names: c.992C>T, p.Ala331Val (NM_001112808.3, NM_001199327.2); short protein forms A331V, A230V.
Identifiers: ClinVar variation 2820676 (VCV002820676.3), dbSNP rs2524360939, ClinGen allele CA340781385.
Genomic context (GRCh38, chr1:74,342,848, plus strand): 5'-TTGAGAAACAAACAATTCTAGATAACATATCTTTTTCTTTCTTGCTGATAACAGTGAATG[C>T]TCAAGATAATGAAGACCATGTCCCACTCCATTTCTGTTCTCGATTTGGACACCATGATAT-3'
Protein context (NP_057062.1, residues 220-240): MEEGSKADVN[Ala230Val]QDNEDHVPLH

ClinVar aggregate classification (germline): Uncertain significance (1 of 4 stars; one submission).

Submission:

Labcorp Genetics (formerly Invitae), Labcorp
Classification: Uncertain significance. Last evaluated: 2022-12-14. Review status: criteria provided, single submitter. Criteria: Invitae Variant Classification Sherloc (09022015). Collection method: clinical testing. Allele origin: germline.
Comment: This sequence change replaces alanine, which is neutral and non-polar, with valine, which is neutral and non-polar, at codon 230 of the TNNI3K protein (p.Ala230Val). This variant is not present in population databases (gnomAD no frequency). This variant has not been reported in the literature in individuals affected with TNNI3K-related conditions. Advanced modeling of protein sequence and biophysical properties (such as structural, functional, and spatial information, amino acid conservation, physicochemical variation, residue mobility, and thermodynamic stability) performed at Invitae indicates that this missense variant is not expected to disrupt TNNI3K protein function. In summary, the available evidence is currently insufficient to determine the role of this variant in disease. Therefore, it has been classified as a Variant of Uncertain Significance.